The following is an entry in ClinVar:

NM_000268.4(NF2):c.1627_1628del (p.Lys543fs)

Gene: NF2 (NF2, moesin-ezrin-radixin like (MERLIN) tumor suppressor; plus strand). Cytogenetic location: 22q12.2.
Variant type: Deletion.
Coding change: c.1627_1628del on transcript NM_000268.4 (MANE Select); coding-DNA positions 1627 to 1628, 2 bases deleted (AA; older notation c.1627_1628delAA).
Protein change: p.Lys543fs; shifts the reading frame from lysine 543.
Molecular consequence: frameshift variant. On other transcripts: non-coding transcript variant (1), intron variant (1).
Genome position (GRCh38, 1-based): chr22:29,681,491-29,681,492, AA deleted. VCF-style (leftmost placement, unchanged base first): chr22-29681490-CAA-C. GRCh37 (hg19) VCF-style: chr22-30077479-CAA-C.
Other names: c.1627_1628del, p.Lys543fs (NM_016418.5, NM_181825.3, NM_181832.3); c.1501_1502del, p.Lys501fs (NM_181828.3); c.1504_1505del, p.Lys502fs (NM_181829.3); c.1378_1379del, p.Lys460fs (NM_181830.3, NM_181831.3); c.448-13261_448-13260del (NM_181833.3); short protein forms K460fs, K543fs, K501fs, K502fs.
Identifiers: ClinVar variation 1354329 (VCV001354329.6), dbSNP rs2147122795, ClinGen allele CA2573157893.

ClinVar aggregate classification (germline): Pathogenic (1 of 4 stars; one submission).

Conditions:
Neurofibromatosis, type 2 (SWNV). Also called: SCHWANNOMATOSIS, VESTIBULAR; NF2-Related Schwannomatosis; BILATERAL ACOUSTIC NEUROFIBROMATOSIS. Identifiers: Orphanet 637, MedGen C0027832, MONDO:0007039, OMIM 101000. Disease mechanism: loss of function.

Submission:

Labcorp Genetics (formerly Invitae), Labcorp
Classification: Pathogenic for Neurofibromatosis, type 2. Last evaluated: 2021-01-10. Review status: criteria provided, single submitter. Criteria: Invitae Variant Classification Sherloc (09022015). Collection method: clinical testing. Allele origin: germline.
Comment: This sequence change creates a premature translational stop signal (p.Lys543Aspfs*21) in the NF2 gene. It is expected to result in an absent or disrupted protein product. Loss-of-function variants in NF2 are known to be pathogenic (PMID: 9643284, 16983642). This variant is not present in population databases (ExAC no frequency). This variant has not been reported in the literature in individuals with NF2-related conditions. For these reasons, this variant has been classified as Pathogenic.

Literature cited by the submitters: PubMed 9643284; PubMed 16983642.